The following is an entry in ClinVar:

NM_005732.4(RAD50):c.3318A>T (p.Glu1106Asp)

Gene: RAD50 (RAD50 double strand break repair protein; plus strand). Cytogenetic location: 5q31.1.
Variant type: single nucleotide variant.
Coding change: c.3318A>T on transcript NM_005732.4 (MANE Select); coding-DNA position 3318, A replaced by T.
Protein change: p.Glu1106Asp; replaces glutamic acid 1106 with aspartic acid.
Molecular consequence: missense variant.
Genome position (GRCh38, 1-based): chr5:132,618,223, A>T. VCF-style: chr5-132618223-A-T. GRCh37 (hg19) VCF-style: chr5-131953915-A-T.
Other names: short protein forms E1106D.
Identifiers: ClinVar variation 482109 (VCV000482109.15), dbSNP rs755059126, ClinGen allele CA3405554.

ClinVar aggregate classification (germline): Uncertain significance. Review status: criteria provided, multiple submitters, no conflicts (2 of 4 stars). 2 submissions from 2 submitters: Uncertain significance (2). Last evaluated 2025-06-09.

Conditions:
Hereditary cancer-predisposing syndrome. Also called: Neoplastic Syndromes, Hereditary; Tumor predisposition; Hereditary Cancer Syndrome; Hereditary neoplastic syndrome. Identifiers: Orphanet 140162, MedGen C0027672, MeSH D009386, MONDO:0015356.

Allele frequency attached by ClinVar (database versions not stated): gnomAD exomes below 0.00001; ExAC 0.00001; TOPMed 0.00003.
gnomAD v4.1: 7 of 1,613,904 alleles (0.00043%); highest among the groups gnomAD compares: African/African-American, 0.008%; no homozygotes.

Submissions (2):

Labcorp Genetics (formerly Invitae), Labcorp
Classification: Uncertain significance for Hereditary cancer-predisposing syndrome. Last evaluated: 2025-06-09. Review status: criteria provided, single submitter. Criteria: Invitae Variant Classification Sherloc (09022015). Collection method: clinical testing. Allele origin: germline.
Comment: This sequence change replaces glutamic acid, which is acidic and polar, with aspartic acid, which is acidic and polar, at codon 1106 of the RAD50 protein (p.Glu1106Asp). This variant is present in population databases (rs755059126, gnomAD 0.007%). This variant has not been reported in the literature in individuals affected with RAD50-related conditions. ClinVar contains an entry for this variant (Variation ID: 482109). Invitae Evidence Modeling of protein sequence and biophysical properties (such as structural, functional, and spatial information, amino acid conservation, physicochemical variation, residue mobility, and thermodynamic stability) indicates that this missense variant is not expected to disrupt RAD50 protein function with a negative predictive value of 80%. In summary, the available evidence is currently insufficient to determine the role of this variant in disease. Therefore, it has been classified as a Variant of Uncertain Significance.

Ambry Genetics
Classification: Uncertain significance for Hereditary cancer-predisposing syndrome. Last evaluated: 2025-05-02. Review status: criteria provided, single submitter. Criteria: Ambry Variant Classification Scheme 2023. Collection method: clinical testing. Allele origin: germline.
Comment: The p.E1106D variant (also known as c.3318A>T), located in coding exon 21 of the RAD50 gene, results from an A to T substitution at nucleotide position 3318. The glutamic acid at codon 1106 is replaced by aspartic acid, an amino acid with highly similar properties. This amino acid position is not well conserved in available vertebrate species. In addition, this alteration is predicted to be tolerated by in silico analysis. Since supporting evidence is limited at this time, the clinical significance of this alteration remains unclear.